The following is an entry in ClinVar:

NM_001942.4(DSG1):c.1806A>G (p.Pro602=)

Genes: DSG1 (desmoglein 1; plus strand), DSG1-AS1 (DSG1 antisense RNA 1; minus strand). Cytogenetic location: 18q12.1.
Variant type: single nucleotide variant.
Coding change: c.1806A>G on transcript NM_001942.4 (MANE Select); coding-DNA position 1806, A replaced by G.
Protein change: p.Pro602=; no amino-acid change (proline 602 retained).
Molecular consequence: synonymous variant. On other transcripts: non-coding transcript variant (2).
Genome position (GRCh38, 1-based): chr18:31,343,568, A>G. VCF-style: chr18-31343568-A-G. GRCh37 (hg19) VCF-style: chr18-28923531-A-G.
Identifiers: ClinVar variation 1160990 (VCV001160990.32), dbSNP rs760394187, ClinGen allele CA8926174.

ClinVar aggregate classification (germline): Likely benign. Review status: criteria provided, multiple submitters, no conflicts (2 of 4 stars). 2 submissions from 2 submitters: Likely benign (2). Last evaluated 2025-12-03.

Allele frequency attached by ClinVar (database versions not stated): ExAC 0.00002; TOPMed 0.00003; gnomAD 0.00004; gnomAD exomes 0.00004 and 0.00005.
gnomAD v4.1: 82 of 1,614,022 alleles (0.0051%); highest among the groups gnomAD compares: Non-Finnish European, 0.0069%; no homozygotes.

Submissions (2):

Labcorp Genetics (formerly Invitae), Labcorp
Classification: Likely benign. Last evaluated: 2025-12-03. Review status: criteria provided, single submitter. Criteria: Invitae Variant Classification Sherloc (09022015). Collection method: clinical testing. Allele origin: germline.

CeGaT Center for Human Genetics Tuebingen
Classification: Likely benign. Last evaluated: 2022-05-01. Review status: criteria provided, single submitter. Criteria: CeGaT Center For Human Genetics Tuebingen Variant Classification Criteria Version 2. Collection method: clinical testing. Allele origin: germline. Affected: yes. Observed: 1 variant allele.
Comment: DSG1: BP4, BP7